The following is an entry in ClinVar:

ClinVar aggregate classification (germline): Uncertain significance (1 of 4 stars; one submission).

Submission:

GeneDx
Classification: Uncertain significance. Last evaluated: 2020-02-11. Review status: criteria provided, single submitter. Criteria: GeneDx Variant Classification Process June 2021. Collection method: clinical testing. Allele origin: germline. Affected: yes.
Comment: Canonical splice site variant in a gene for which loss-of-function is not a known mechanism of disease; Has not been previously published as pathogenic or benign to our knowledge; Not observed in large population cohorts (Lek et al., 2016)

NM_031407.7(HUWE1):c.1779+2T>C

Gene: HUWE1 (HECT, UBA and WWE domain containing E3 ubiquitin protein ligase 1; minus strand). Cytogenetic location: Xp11.22.
Variant type: single nucleotide variant.
Coding change: c.1779+2T>C on transcript NM_031407.7 (MANE Select); the canonical splice donor site of the intron after coding-DNA position 1779, T replaced by C.
Molecular consequence: splice donor variant.
Genome position (GRCh38, 1-based): chrX:53,617,338, A>G on the plus strand (T>C on the coding strand, the complement: HUWE1 is on the minus strand). VCF-style: chrX-53617338-A-G. GRCh37 (hg19) VCF-style: chrX-53644299-A-G.
Identifiers: ClinVar variation 1312472 (VCV001312472.2), dbSNP rs2148854504, ClinGen allele CA413148431.